The following is an entry in ClinVar:

NM_001009944.3(PKD1):c.4425C>T (p.Gly1475=)

Gene: PKD1 (polycystin 1, transient receptor potential channel interacting; minus strand). Cytogenetic location: 16p13.3.
Variant type: single nucleotide variant.
Coding change: c.4425C>T on transcript NM_001009944.3 (MANE Select); coding-DNA position 4425, C replaced by T.
Protein change: p.Gly1475=; no amino-acid change (glycine 1475 retained).
Molecular consequence: synonymous variant.
Genome position (GRCh38, 1-based): chr16:2,110,742, G>A on the plus strand (C>T on the coding strand, the complement: PKD1 is on the minus strand). VCF-style: chr16-2110742-G-A. GRCh37 (hg19) VCF-style: chr16-2160743-G-A.
Other names: c.4425C>T, p.Gly1475= (NM_000296.4).
Identifiers: ClinVar variation 4993750 (VCV004993750.1).

ClinVar aggregate classification (germline): Likely benign (1 of 4 stars; one submission).

Conditions:
PKD1-related disorder. Also called: PKD1-related condition.

gnomAD v4.1: 1 of 1,610,400 alleles (0.000062%); highest among the groups gnomAD compares: Non-Finnish European, 0.000085%; no homozygotes.

Submission:

PreventionGenetics, part of Exact Sciences
Classification: Likely benign for PKD1-related condition. Last evaluated: 2025-11-24. Review status: criteria provided, single submitter. Criteria: ACMG Guidelines, 2015. Collection method: clinical testing. Allele origin: germline.
Comment: This variant is classified as likely benign based on ACMG/AMP sequence variant interpretation guidelines (Richards et al. 2015 PMID: 25741868, with internal and published modifications).